The following is an entry in ClinVar:

ClinVar aggregate classification (germline): Uncertain significance (1 of 4 stars; one submission).

Conditions:
Epilepsy, progressive myoclonic, 1B. Also called: PME. Identifiers: Orphanet 308, MedGen C2676254, MONDO:0012904, OMIM 612437.

Allele frequency attached by ClinVar (database versions not stated): gnomAD exomes below 0.00001.
gnomAD v4.1: 2 of 1,613,964 alleles (0.00012%); highest among the groups gnomAD compares: Non-Finnish European, 0.000085%; no homozygotes.

Submission:

Labcorp Genetics (formerly Invitae), Labcorp
Classification: Uncertain significance for Epilepsy, progressive myoclonic, 1B. Last evaluated: 2020-09-24. Review status: criteria provided, single submitter. Criteria: Invitae Variant Classification Sherloc (09022015). Collection method: clinical testing. Allele origin: germline.
Comment: This sequence change replaces arginine with tryptophan at codon 190 of the PRICKLE1 protein (p.Arg190Trp). The arginine residue is highly conserved and there is a moderate physicochemical difference between arginine and tryptophan. This variant is not present in population databases (ExAC no frequency). In summary, the available evidence is currently insufficient to determine the role of this variant in disease. Therefore, it has been classified as a Variant of Uncertain Significance. Algorithms developed to predict the effect of missense changes on protein structure and function (SIFT, PolyPhen-2, Align-GVGD) all suggest that this variant is likely to be disruptive, but these predictions have not been confirmed by published functional studies and their clinical significance is uncertain. This variant has not been reported in the literature in individuals with PRICKLE1-related conditions.

NM_153026.3(PRICKLE1):c.568C>T (p.Arg190Trp)

Gene: PRICKLE1 (prickle planar cell polarity protein 1; minus strand). Cytogenetic location: 12q12.
Variant type: single nucleotide variant.
Coding change: c.568C>T on transcript NM_153026.3 (MANE Select); coding-DNA position 568, C replaced by T.
Protein change: p.Arg190Trp; replaces arginine 190 with tryptophan.
Molecular consequence: missense variant.
Genome position (GRCh38, 1-based): chr12:42,468,646, G>A on the plus strand (C>T on the coding strand, the complement: PRICKLE1 is on the minus strand). VCF-style: chr12-42468646-G-A. GRCh37 (hg19) VCF-style: chr12-42862448-G-A.
Other names: c.568C>T, p.Arg190Trp (NM_001144881.2, NM_001144882.2, NM_001144883.2); short protein forms R190W.
Identifiers: ClinVar variation 1058373 (VCV001058373.9), dbSNP rs2140113478, ClinGen allele CA384443693.